The following is an entry in ClinVar:

ClinVar aggregate classification (germline): Uncertain significance. Review status: criteria provided, multiple submitters, no conflicts (2 of 4 stars). 2 submissions from 2 submitters: Uncertain significance (2). Last evaluated 2024-03-23.

Conditions:
Hereditary cancer-predisposing syndrome. Also called: Hereditary neoplastic syndrome; Tumor predisposition; Neoplastic Syndromes, Hereditary; Hereditary Cancer Syndrome. Identifiers: Orphanet 140162, MedGen C0027672, MeSH D009386, MONDO:0015356.
Hereditary breast ovarian cancer syndrome. Also called: Hereditary breast and ovarian cancer; Hereditary breast and/or ovarian cancer syndrome; Hereditary breast and ovarian cancer syndrome; Hereditary breast and ovarian cancer syndrome (HBOC); Breast and ovarian cancer; BRCA1- and BRCA2-Associated Hereditary Breast and Ovarian Cancer. Identifiers: Orphanet 145, MedGen C0677776, MeSH D061325, MONDO:0003582. Disease mechanism: loss of function.

Allele frequency attached by ClinVar (database versions not stated): TOPMed below 0.00001.

Submissions (2):

Ambry Genetics
Classification: Uncertain significance for Hereditary cancer-predisposing syndrome. Last evaluated: 2024-03-23. Review status: criteria provided, single submitter. Criteria: Ambry Variant Classification Scheme 2023. Collection method: clinical testing. Allele origin: germline.
Comment: The p.R2295S variant (also known as c.6885G>T), located in coding exon 11 of the BRCA2 gene, results from a G to T substitution at nucleotide position 6885. The arginine at codon 2295 is replaced by serine, an amino acid with dissimilar properties. This amino acid position is conserved. In addition, the in silico prediction for this alteration is inconclusive. Based on the available evidence, the clinical significance of this alteration remains unclear.

Labcorp Genetics (formerly Invitae), Labcorp
Classification: Uncertain significance for Hereditary breast ovarian cancer syndrome. Last evaluated: 2019-07-31. Review status: criteria provided, single submitter. Criteria: Invitae Variant Classification Sherloc (09022015). Collection method: clinical testing. Allele origin: germline.
Comment: In summary, the available evidence is currently insufficient to determine the role of this variant in disease. Therefore, it has been classified as a Variant of Uncertain Significance. Algorithms developed to predict the effect of missense changes on protein structure and function (SIFT, PolyPhen-2, Align-GVGD) all suggest that this variant is likely to be disruptive, but these predictions have not been confirmed by published functional studies and their clinical significance is uncertain. This variant has not been reported in the literature in individuals with BRCA2-related conditions. This variant is not present in population databases (ExAC no frequency). This sequence change replaces arginine with serine at codon 2295 of the BRCA2 protein (p.Arg2295Ser). The arginine residue is highly conserved and there is a moderate physicochemical difference between arginine and serine.

NM_000059.4(BRCA2):c.6885G>T (p.Arg2295Ser)

Gene: BRCA2 (BRCA2 DNA repair associated; plus strand). Cytogenetic location: 13q13.1.
Variant type: single nucleotide variant.
Coding change: c.6885G>T on transcript NM_000059.4 (MANE Select); coding-DNA position 6885, G replaced by T.
Protein change: p.Arg2295Ser; replaces arginine 2295 with serine.
Molecular consequence: missense variant.
Genome position (GRCh38, 1-based): chr13:32,344,601, G>T. VCF-style: chr13-32344601-G-T. GRCh37 (hg19) VCF-style: chr13-32918738-G-T.
Other names: short protein forms R2295S.
Identifiers: ClinVar variation 955987 (VCV000955987.11), dbSNP rs763852568, ClinGen allele CA387792782.
Genomic context (GRCh38, chr13:32,344,601, plus strand): 5'-GAAATATTTCTTTTTAGGAGAACCCTCAATCAAAAGAAACTTATTAAATGAATTTGACAG[G>T]ATAATAGAAAATCAAGAAAAATCCTTAAAGGCTTCAAAAAGCACTCCAGATGGTAAAATT-3'
Protein context (NP_000050.3, residues 2285-2305): IKRNLLNEFD[Arg2295Ser]IIENQEKSLK